The following is an entry in ClinVar:

NM_006514.4(SCN10A):c.1628del (p.Ala543fs)

Gene: SCN10A (sodium voltage-gated channel alpha subunit 10; minus strand). Cytogenetic location: 3p22.2.
Variant type: Deletion.
Coding change: c.1628del on transcript NM_006514.4 (MANE Select); coding-DNA position 1628, one base deleted (C; older notation c.1628delC).
Protein change: p.Ala543fs; shifts the reading frame from alanine 543.
Molecular consequence: frameshift variant. On other transcripts: intron variant (1).
Genome position (GRCh38, 1-based): chr3:38,752,346, G deleted on the plus strand (C on the coding strand, the reverse complement: SCN10A is on the minus strand). VCF-style (leftmost placement, unchanged base first): chr3-38752345-AG-A. GRCh37 (hg19) VCF-style: chr3-38793836-AG-A.
Other names: c.1628del, p.Ala543fs (NM_001293306.2); c.1462-2162del (NM_001293307.2); short protein forms A543fs.
Identifiers: ClinVar variation 1776738 (VCV001776738.2), dbSNP rs2470776804, ClinGen allele CA2580069798.
Genomic context (GRCh38, chr3:38,752,345, plus strand): 5'-CCTGGAGTCAGGGTTGCTGGGTTGAGGAAGAGGGCTTCTAGGGAGGGGGCCTTGCTGGCC[AG>A]CACCCCCACCCAGCAGCAGAGAGCCCCGATGGCTTTCGTGGTCTCCAGGAAAGACTCCAT-3'

ClinVar aggregate classification (germline): Uncertain significance (1 of 4 stars; one submission).

Conditions:
Cardiovascular phenotype. Identifiers: MedGen CN230736.

Submission:

Ambry Genetics
Classification: Uncertain significance for Cardiovascular phenotype. Last evaluated: 2019-06-26. Review status: criteria provided, single submitter. Criteria: Ambry Variant Classification Scheme 2023. Collection method: clinical testing. Allele origin: germline.
Comment: The c.1628delC variant, located in coding exon 11 of the SCN10A gene, results from a deletion of one nucleotide at nucleotide position 1628, causing a translational frameshift with a predicted alternate stop codon (p.A543Vfs*59). This alteration is expected to result in loss of function by premature protein truncation or nonsense-mediated mRNA decay. However, loss of function of SCN10A has not been clearly established as a mechanism of disease. Since supporting evidence is limited at this time, the clinical significance of this alteration remains unclear.